The following is an entry in ClinVar:

ClinVar aggregate classification (germline): Likely pathogenic (1 of 4 stars; one submission).

Conditions:
Oculofaciocardiodental syndrome (MCOPS2). Identifiers: Orphanet 2712, MedGen C1846265, MONDO:0010261, OMIM 300166.

Submission:

Labcorp Genetics (formerly Invitae), Labcorp
Classification: Likely pathogenic for Oculofaciocardiodental syndrome. Last evaluated: 2022-02-22. Review status: criteria provided, single submitter. Criteria: Invitae Variant Classification Sherloc (09022015). Collection method: clinical testing. Allele origin: germline.
Comment: In summary, the currently available evidence indicates that the variant is pathogenic, but additional data are needed to prove that conclusively. Therefore, this variant has been classified as Likely Pathogenic. Algorithms developed to predict the effect of sequence changes on RNA splicing suggest that this variant may disrupt the consensus splice site. This sequence change affects an acceptor splice site in intron 12 of the BCOR gene. It is expected to disrupt RNA splicing. Variants that disrupt the donor or acceptor splice site typically lead to a loss of protein function (PMID: 16199547), and loss-of-function variants in BCOR are known to be pathogenic (PMID: 15004558, 19367324). This variant is not present in population databases (gnomAD no frequency). This variant has not been reported in the literature in individuals affected with BCOR-related conditions.

Literature cited by the submitters: PubMed 16199547; PubMed 15004558; PubMed 19367324.

NM_001123385.2(BCOR):c.4742-2A>G

Gene: BCOR (BCL6 corepressor; minus strand). Cytogenetic location: Xp11.4.
Variant type: single nucleotide variant.
Coding change: c.4742-2A>G on transcript NM_001123385.2 (MANE Select); the canonical splice acceptor site of the intron before coding-DNA position 4742, A replaced by G.
Molecular consequence: splice acceptor variant.
Genome position (GRCh38, 1-based): chrX:40,054,335, T>C on the plus strand (A>G on the coding strand, the complement: BCOR is on the minus strand). VCF-style: chrX-40054335-T-C. GRCh37 (hg19) VCF-style: chrX-39913588-T-C.
Other names: c.4586-2A>G (NM_001123384.2); c.4688-2A>G (NM_001438207.1); c.4640-2A>G (NM_001123383.2, NM_001438208.1, NM_017745.6); c.4742-2A>G (NM_001437510.1, NM_001437511.1).
Identifiers: ClinVar variation 2101830 (VCV002101830.4), dbSNP rs2519302803, ClinGen allele CA412734598.